The following is an entry in ClinVar:

NM_133510.4(RAD51B):c.866C>G (p.Ser289Cys)

Gene: RAD51B (RAD51 paralog B; plus strand). Cytogenetic location: 14q24.1.
Variant type: single nucleotide variant.
Coding change: c.866C>G on transcript NM_133510.4 (MANE Select); coding-DNA position 866, C replaced by G.
Protein change: p.Ser289Cys; replaces serine 289 with cysteine.
Molecular consequence: missense variant.
Genome position (GRCh38, 1-based): chr14:68,411,436, C>G. VCF-style: chr14-68411436-C-G. GRCh37 (hg19) VCF-style: chr14-68878153-C-G.
Other names: c.866C>G, p.Ser289Cys (NM_001321809.2, NM_001321810.2, NM_001321812.1 and 6 more transcripts); c.752C>G, p.Ser251Cys (NM_001321815.1); c.509C>G, p.Ser170Cys (NM_001321817.2); short protein forms S170C, S251C, S289C.
Identifiers: ClinVar variation 3942340 (VCV003942340.1).

ClinVar aggregate classification (germline): Uncertain significance (1 of 4 stars; one submission).

Submission:

Ambry Genetics
Classification: Uncertain significance. Last evaluated: 2025-06-12. Review status: criteria provided, single submitter. Criteria: Ambry Variant Classification Scheme 2023. Collection method: clinical testing. Allele origin: germline.
Comment: The p.S289C variant (also known as c.866C>G), located in coding exon 8 of the RAD51B gene, results from a C to G substitution at nucleotide position 866. The serine at codon 289 is replaced by cysteine, an amino acid with dissimilar properties. This amino acid position is conserved. In addition, this alteration is predicted to be tolerated by in silico analysis. Based on the available evidence, the clinical significance of this variant remains unclear.